The following is an entry in ClinVar:

ClinVar aggregate classification (germline): Uncertain significance (1 of 4 stars; one submission).

Conditions:
Intellectual developmental disorder with dysmorphic facies and ptosis (IDDDFP). Identifiers: Orphanet 698090, MedGen C4310617, MONDO:0015022, OMIM 617333.

Submission:

Laboratorio de Genetica e Diagnostico Molecular, Hospital Israelita Albert Einstein
Classification: Uncertain significance for Intellectual developmental disorder with dysmorphic facies and ptosis. Last evaluated: 2025-05-27. Review status: criteria provided, single submitter. Criteria: ACMG Guidelines, 2015. Collection method: clinical testing. Allele origin: germline. Affected: yes.
Comment: ACMG classification criteria: PM2 supporting, PP2 supporting, BP4 supporting

NM_001003694.2(BRPF1):c.3495G>C (p.Arg1165Ser)

Gene: BRPF1 (bromodomain and PHD finger containing 1; plus strand). Cytogenetic location: 3p25.3.
Variant type: single nucleotide variant.
Coding change: c.3495G>C on transcript NM_001003694.2 (MANE Select); coding-DNA position 3495, G replaced by C.
Protein change: p.Arg1165Ser; replaces arginine 1165 with serine.
Molecular consequence: missense variant. On other transcripts: non-coding transcript variant (1).
Genome position (GRCh38, 1-based): chr3:9,747,181, G>C. VCF-style: chr3-9747181-G-C. GRCh37 (hg19) VCF-style: chr3-9788865-G-C.
Other names: c.3192G>C, p.Arg1064Ser (NM_001319049.2); c.3474G>C, p.Arg1158Ser (NM_001319050.2); c.3492G>C, p.Arg1164Ser (NM_001410704.1); c.3477G>C, p.Arg1159Ser (NM_004634.3); short protein forms R1064S, R1158S, R1159S, R1164S, R1165S.
Identifiers: ClinVar variation 3901981 (VCV003901981.1).